The following is an entry in ClinVar:

NM_018684.4(ZC4H2):c.307C>A (p.Pro103Thr)

Gene: ZC4H2 (zinc finger C4H2-type containing; minus strand). Cytogenetic location: Xq11.2.
Variant type: single nucleotide variant.
Coding change: c.307C>A on transcript NM_018684.4 (MANE Select); coding-DNA position 307, C replaced by A.
Protein change: p.Pro103Thr; replaces proline 103 with threonine.
Molecular consequence: missense variant. On other transcripts: non-coding transcript variant (1).
Genome position (GRCh38, 1-based): chrX:64,920,172, G>T on the plus strand (C>A on the coding strand, the complement: ZC4H2 is on the minus strand). VCF-style: chrX-64920172-G-T. GRCh37 (hg19) VCF-style: chrX-64140052-G-T.
Other names: c.238C>A, p.Pro80Thr (NM_001178032.3, NM_001243804.2); c.307C>A, p.Pro103Thr (NM_001178033.3); short protein forms P103T, P80T.
Identifiers: ClinVar variation 3361688 (VCV003361688.1).
Genomic context (GRCh38, chrX:64,920,172, plus strand): 5'-AGTCAGGGAGCCTCTGCAGGCCCAGAGTCATGCGCAGGGCATCCACATGTTCTTTCAGTG[G>T]CTTATACTCATCATGCAGCCTCCTTGTAGACTCTAGCAGCTTGTTTAGGTCATTCTCAGA-3'
Protein context (NP_061154.1, residues 93-113): STRRLHDEYK[Pro103Thr]LKEHVDALRM

ClinVar aggregate classification (germline): Uncertain significance (1 of 4 stars; one submission).

Submission:

GeneDx
Classification: Uncertain significance. Last evaluated: 2023-07-28. Review status: criteria provided, single submitter. Criteria: GeneDx Variant Classification Process June 2021. Collection method: clinical testing. Allele origin: germline. Affected: yes.
Comment: Not observed at significant frequency in large population cohorts (gnomAD); In silico analysis supports that this missense variant has a deleterious effect on protein structure/function; Has not been previously published as pathogenic or benign to our knowledge